The following is an entry in ClinVar:

NM_001164508.2(NEB):c.10802A>G (p.His3601Arg)

Gene: NEB (nebulin; minus strand). Cytogenetic location: 2q23.3.
Variant type: single nucleotide variant.
Coding change: c.10802A>G on transcript NM_001164508.2 (MANE Select); coding-DNA position 10802, A replaced by G.
Protein change: p.His3601Arg; replaces histidine 3601 with arginine.
Molecular consequence: missense variant.
Genome position (GRCh38, 1-based): chr2:151,619,521, T>C on the plus strand (A>G on the coding strand, the complement: NEB is on the minus strand). VCF-style: chr2-151619521-T-C. GRCh37 (hg19) VCF-style: chr2-152476035-T-C.
Other names: c.10802A>G, p.His3601Arg (NM_001164507.2, NM_001271208.2); c.10073A>G, p.His3358Arg (NM_004543.5); short protein forms H3601R, H3358R.
Identifiers: ClinVar variation 465431 (VCV000465431.23), dbSNP rs371568550, ClinGen allele CA1908952.

ClinVar aggregate classification (germline): Uncertain significance. Review status: criteria provided, multiple submitters, no conflicts (2 of 4 stars). 6 submissions from 6 submitters: Uncertain significance (5). 1 of the submissions does not count toward it. Last evaluated 2026-10-02.

Conditions:
Nemaline myopathy 2 (NEM2). Also called: Nemaline myopathy 2, autosomal recessive. Identifiers: MedGen C1850569, MONDO:0009725, OMIM 256030.

Allele frequency attached by ClinVar (database versions not stated): ESP Exome Variant Server 0.00008; gnomAD exomes 0.00020; TOPMed 0.00010; gnomAD 0.00013; ExAC 0.00014.
gnomAD v4.1: 150 of 1,613,852 alleles (0.0093%); highest among the groups gnomAD compares: Admixed American, 0.068%; no homozygotes.

Submissions (6):

GeneDx
Classification: Uncertain significance. Last evaluated: 2026-10-02. Review status: criteria provided, single submitter. Criteria: GeneDx Variant Classification Process June 2021. Collection method: clinical testing. Allele origin: germline.
Comment: In silico analysis supports that this missense variant has a deleterious effect on protein structure/function; Has not been previously published as pathogenic or benign to our knowledge

Revvity Omics, Revvity
Classification: Uncertain significance. Last evaluated: 2024-03-28. Review status: criteria provided, single submitter. Criteria: ACMG Guidelines, 2015. Collection method: clinical testing. Allele origin: germline.

Women's Health and Genetics/Laboratory Corporation of America, LabCorp
Classification: Uncertain significance. Last evaluated: 2023-06-01. Review status: criteria provided, single submitter. Criteria: LabCorp Variant Classification Summary - May 2015. Collection method: clinical testing. Allele origin: germline.
Comment: Variant summary: NEB c.10802A>G (p.His3601Arg) results in a non-conservative amino acid change in the encoded protein sequence. Four of five in-silico tools predict a damaging effect of the variant on protein function. The variant allele was found at a frequency of 0.0002 in 248736 control chromosomes. This frequency is not significantly higher than estimated for a pathogenic variant in NEB causing Nemaline Myopathy 2 (0.0002 vs 0.0035), allowing no conclusion about variant significance. To our knowledge, no occurrence of c.10802A>G in individuals affected with Nemaline Myopathy 2 and no experimental evidence demonstrating its impact on protein function have been reported. Five clinical diagnostic laboratories have submitted clinical-significance assessments for this variant to ClinVar after 2014 and all laboratories classified the variant as uncertain significance. Based on the evidence outlined above, the variant was classified as uncertain significance.

Labcorp Genetics (formerly Invitae), Labcorp
Classification: Uncertain significance for Nemaline myopathy 2. Last evaluated: 2022-10-25. Review status: criteria provided, single submitter. Criteria: Invitae Variant Classification Sherloc (09022015). Collection method: clinical testing. Allele origin: germline.
Comment: This sequence change replaces histidine, which is basic and polar, with arginine, which is basic and polar, at codon 3601 of the NEB protein (p.His3601Arg). This variant is present in population databases (rs371568550, gnomAD 0.1%). This variant has not been reported in the literature in individuals affected with NEB-related conditions. ClinVar contains an entry for this variant (Variation ID: 465431). Algorithms developed to predict the effect of missense changes on protein structure and function are either unavailable or do not agree on the potential impact of this missense change (SIFT: "Deleterious"; PolyPhen-2: "Not Available"; Align-GVGD: "Class C0"). In summary, the available evidence is currently insufficient to determine the role of this variant in disease. Therefore, it has been classified as a Variant of Uncertain Significance.

Fulgent Genetics
Classification: Uncertain significance for Nemaline myopathy 2. Last evaluated: 2018-10-31. Review status: criteria provided, single submitter. Criteria: ACMG Guidelines, 2015. Collection method: clinical testing. Allele origin: unknown.

Natera, Inc.
Classification: Uncertain significance for Nemaline myopathy type 2. Last evaluated: 2020-09-16. Review status: no assertion criteria provided. Collection method: clinical testing. Allele origin: germline. Not counted in ClinVar's aggregate classification.